The following is an entry in ClinVar:

ClinVar aggregate classification (germline): Uncertain significance (1 of 4 stars; one submission).

Conditions:
Muscular dystrophy-dystroglycanopathy (congenital with brain and eye anomalies), type A13. Also called: WALKER-WARBURG SYNDROME OR MUSCLE-EYE-BRAIN DISEASE, B3GNT1-RELATED; Muscular dystrophy-dystroglycanopathy (congenital with brain and eye anomalies), type a, 13. Identifiers: Orphanet 899, MedGen C3809042, MONDO:0014120, OMIM 615287.

Submission:

Labcorp Genetics (formerly Invitae), Labcorp
Classification: Uncertain significance for Muscular dystrophy-dystroglycanopathy (congenital with brain and eye anomalies), type A13. Last evaluated: 2024-12-09. Review status: criteria provided, single submitter. Criteria: Invitae Variant Classification Sherloc (09022015). Collection method: clinical testing. Allele origin: germline.
Comment: This sequence change replaces tyrosine, which is neutral and polar, with histidine, which is basic and polar, at codon 279 of the B4GAT1 protein (p.Tyr279His). This variant is not present in population databases (gnomAD no frequency). This variant has not been reported in the literature in individuals affected with B4GAT1-related conditions. ClinVar contains an entry for this variant (Variation ID: 946875). Invitae Evidence Modeling of protein sequence and biophysical properties (such as structural, functional, and spatial information, amino acid conservation, physicochemical variation, residue mobility, and thermodynamic stability) has been performed for this missense variant. However, the output from this modeling did not meet the statistical confidence thresholds required to predict the impact of this variant on B4GAT1 protein function. In summary, the available evidence is currently insufficient to determine the role of this variant in disease. Therefore, it has been classified as a Variant of Uncertain Significance.

NM_006876.3(B4GAT1):c.835T>C (p.Tyr279His)

Gene: B4GAT1 (beta-1,4-glucuronyltransferase 1; minus strand). Cytogenetic location: 11q13.2.
Variant type: single nucleotide variant.
Coding change: c.835T>C on transcript NM_006876.3 (MANE Select); coding-DNA position 835, T replaced by C.
Protein change: p.Tyr279His; replaces tyrosine 279 with histidine.
Molecular consequence: missense variant.
Genome position (GRCh38, 1-based): chr11:66,346,711, A>G on the plus strand (T>C on the coding strand, the complement: B4GAT1 is on the minus strand). VCF-style: chr11-66346711-A-G. GRCh37 (hg19) VCF-style: chr11-66114182-A-G.
Other names: short protein forms Y279H.
Identifiers: ClinVar variation 946875 (VCV000946875.9), dbSNP rs1855220609, ClinGen allele CA381417549.